The following is an entry in ClinVar:

NM_182916.3(TRNT1):c.1296G>T (p.Lys432Asn)

Gene: TRNT1 (tRNA nucleotidyl transferase 1; plus strand). Cytogenetic location: 3p26.2.
Variant type: single nucleotide variant.
Coding change: c.1296G>T on transcript NM_182916.3 (MANE Select); coding-DNA position 1296, G replaced by T.
Protein change: p.Lys432Asn; replaces lysine 432 with asparagine.
Molecular consequence: missense variant. On other transcripts: non-coding transcript variant (8).
Genome position (GRCh38, 1-based): chr3:3,148,145, G>T. VCF-style: chr3-3148145-G-T. GRCh37 (hg19) VCF-style: chr3-3189829-G-T.
Other names: c.1236G>T, p.Lys412Asn (NM_001302946.2); c.1296G>T, p.Lys432Asn (NM_001367321.1, NM_001367322.1, NM_001367323.1); short protein forms K412N, K432N.
Identifiers: ClinVar variation 2090053 (VCV002090053.4), dbSNP rs1014393756, ClinGen allele CA351449229.

ClinVar aggregate classification (germline): Uncertain significance (1 of 4 stars; one submission).

Conditions:
Congenital sideroblastic anemia-B-cell immunodeficiency-periodic fever-developmental delay syndrome. Also called: Sideroblastic anemia with B-cell immunodeficiency, periodic fevers, and developmental delay. Identifiers: Orphanet 369861, MedGen C4015172, MONDO:0014487, OMIM 616084.

Submission:

Labcorp Genetics (formerly Invitae), Labcorp
Classification: Uncertain significance for Congenital sideroblastic anemia-B-cell immunodeficiency-periodic fever-developmental delay syndrome. Last evaluated: 2022-04-28. Review status: criteria provided, single submitter. Criteria: Invitae Variant Classification Sherloc (09022015). Collection method: clinical testing. Allele origin: germline.
Comment: In summary, the available evidence is currently insufficient to determine the role of this variant in disease. Therefore, it has been classified as a Variant of Uncertain Significance. Algorithms developed to predict the effect of missense changes on protein structure and function (SIFT, PolyPhen-2, Align-GVGD) all suggest that this variant is likely to be tolerated. This variant has not been reported in the literature in individuals affected with TRNT1-related conditions. This variant is not present in population databases (gnomAD no frequency). This sequence change replaces lysine, which is basic and polar, with asparagine, which is neutral and polar, at codon 432 of the TRNT1 protein (p.Lys432Asn).